The following is an entry in ClinVar:

ClinVar aggregate classification (germline): Uncertain significance. Review status: criteria provided, multiple submitters, no conflicts (2 of 4 stars). 2 submissions from 2 submitters: Uncertain significance (2). Last evaluated 2026-01-21.

Conditions:
Autosomal dominant nonsyndromic hearing loss 1. Also called: DEAFNESS, AUTOSOMAL DOMINANT 1, WITH OR WITHOUT THROMBOCYTOPENIA; KONIGSMARK SYNDROME. Identifiers: Orphanet 90635, MedGen C1852282, MONDO:0007424, OMIM 124900.
Progressive microcephaly-seizures-cortical blindness-developmental delay syndrome. Also called: Seizures, cortical blindness, and microcephaly syndrome. Identifiers: Orphanet 477814, MedGen C5567650, MONDO:0014714, OMIM 616632.

Allele frequency attached by ClinVar (database versions not stated): gnomAD 0.00001; ExAC 0.00003; TOPMed 0.00003; gnomAD exomes 0.00006.
gnomAD v4.1: 16 of 1,614,038 alleles (0.00099%); highest among the groups gnomAD compares: East Asian, 0.033%; no homozygotes.

Submissions (2):

Labcorp Genetics (formerly Invitae), Labcorp
Classification: Uncertain significance for Progressive microcephaly-seizures-cortical blindness-developmental delay syndrome; Autosomal dominant nonsyndromic hearing loss 1. Last evaluated: 2026-01-21. Review status: criteria provided, single submitter. Criteria: Invitae Variant Classification Sherloc (09022015). Collection method: clinical testing. Allele origin: germline.
Comment: This sequence change replaces aspartic acid, which is acidic and polar, with glycine, which is neutral and non-polar, at codon 77 of the DIAPH1 protein (p.Asp77Gly). This variant is present in population databases (rs748806020, gnomAD 0.09%). This variant has not been reported in the literature in individuals affected with DIAPH1-related conditions. ClinVar contains an entry for this variant (Variation ID: 904107). Experimental studies and prediction algorithms are not available or were not evaluated, and the functional significance of this variant is currently unknown. In summary, the available evidence is currently insufficient to determine the role of this variant in disease. Therefore, it has been classified as a Variant of Uncertain Significance.

Illumina Laboratory Services, Illumina
Classification: Uncertain significance for Autosomal dominant nonsyndromic hearing loss 1. Last evaluated: 2018-01-13. Review status: criteria provided, single submitter. Criteria: ICSL Variant Classification Criteria 13 December 2019. Collection method: clinical testing. Allele origin: germline.

NM_005219.5(DIAPH1):c.230A>G (p.Asp77Gly)

Gene: DIAPH1 (diaphanous related formin 1; minus strand). Cytogenetic location: 5q31.3.
Variant type: single nucleotide variant.
Coding change: c.230A>G on transcript NM_005219.5 (MANE Select); coding-DNA position 230, A replaced by G.
Protein change: p.Asp77Gly; replaces aspartic acid 77 with glycine.
Molecular consequence: missense variant.
Genome position (GRCh38, 1-based): chr5:141,587,112, T>C on the plus strand (A>G on the coding strand, the complement: DIAPH1 is on the minus strand). VCF-style: chr5-141587112-T-C. GRCh37 (hg19) VCF-style: chr5-140966679-T-C.
Other names: c.203A>G, p.Asp68Gly (NM_001079812.3); c.230A>G, p.Asp77Gly (NM_001314007.2); short protein forms D68G, D77G.
Identifiers: ClinVar variation 904107 (VCV000904107.11), dbSNP rs748806020, ClinGen allele CA3479659.